The following is an entry in ClinVar:

NM_213599.3(ANO5):c.*3121A>G

Gene: ANO5 (anoctamin 5; plus strand). Cytogenetic location: 11p14.3.
Variant type: single nucleotide variant.
Coding change: c.*3121A>G on transcript NM_213599.3 (MANE Select); 3121 bases downstream of the stop codon, A replaced by G.
Molecular consequence: 3 prime UTR variant.
Genome position (GRCh38, 1-based): chr11:22,282,886, A>G. VCF-style: chr11-22282886-A-G. GRCh37 (hg19) VCF-style: chr11-22304432-A-G.
Other names: c.*3121A>G (NM_001142649.2).
Identifiers: ClinVar variation 877787 (VCV000877787.7), dbSNP rs35827261, ClinGen allele CA218781175.

ClinVar aggregate classification (germline): Benign/Likely benign. Review status: criteria provided, multiple submitters, no conflicts (2 of 4 stars). 6 submissions from 4 submitters: Benign (4); Likely benign (2). Last evaluated 2021-12-05.

Conditions:
Gnathodiaphyseal dysplasia (GDD). Also called: GNATHODIAPHYSEAL SCLEROSIS; OSTEOGENESIS IMPERFECTA WITH UNUSUAL SKELETAL LESIONS. Identifiers: Orphanet 53697, MedGen C1833736, MONDO:0008151, OMIM 166260.
Autosomal recessive limb-girdle muscular dystrophy type 2L (LGMDR12). Also called: MUSCULAR DYSTROPHY, LIMB-GIRDLE, AUTOSOMAL RECESSIVE 12; Limb-Girdle Muscular Dystrophy R12 Anoctamin-5-Related (LGMD-R12); Limb-girdle muscular dystrophy, type 2L. Identifiers: Orphanet 206549, MedGen C1969785, MONDO:0012652, OMIM 611307.
Miyoshi muscular dystrophy 3 (MMD3). Also called: Miyoshi myopathy 3; Miyoshi Muscular Dystrophy 3 (MMD3). Identifiers: Orphanet 399096, MedGen C2750076, MONDO:0013222, OMIM 613319.
ANO5-Related Muscle Diseases. Identifiers: MedGen CN180644.

Allele frequency attached by ClinVar (database versions not stated): 1000 Genomes Project 0.02157; 1000 Genomes Project 30x 0.02217; gnomAD 0.03984 and 0.04156; TOPMed 0.04036.

Submissions (6):

Genome-Nilou Lab
Classification: Benign for Gnathodiaphyseal dysplasia. Last evaluated: 2021-12-05. Review status: criteria provided, single submitter. Criteria: ACMG Guidelines, 2015. Collection method: clinical testing. Allele origin: germline. Affected: no.

Genome-Nilou Lab
Classification: Benign for Miyoshi muscular dystrophy 3. Last evaluated: 2021-12-05. Review status: criteria provided, single submitter. Criteria: ACMG Guidelines, 2015. Collection method: clinical testing. Allele origin: germline. Affected: no.

Genome-Nilou Lab
Classification: Benign for Autosomal recessive limb-girdle muscular dystrophy type 2L. Last evaluated: 2021-12-05. Review status: criteria provided, single submitter. Criteria: ACMG Guidelines, 2015. Collection method: clinical testing. Allele origin: germline. Affected: no.

GeneDx
Classification: Likely benign. Last evaluated: 2021-05-10. Review status: criteria provided, single submitter. Criteria: GeneDx Variant Classification Process June 2021. Collection method: clinical testing. Allele origin: germline. Affected: yes.

Illumina Laboratory Services, Illumina
Classification: Benign for ANO5-Related Muscle Diseases. Last evaluated: 2017-04-27. Review status: criteria provided, single submitter. Criteria: ICSL Variant Classification Criteria 13 December 2019. Collection method: clinical testing. Allele origin: germline.
Comment: This variant was observed as part of a predisposition screen in an ostensibly healthy population. A literature search was performed for the gene, cDNA change, and amino acid change (where applicable). No publications were found based on this search. Allele frequency data from public databases was too high to be consistent with this variant causing disease. Therefore, this variant is classified as benign.

Breakthrough Genomics
Classification: Likely benign. Review status: criteria provided, single submitter. Criteria: ACMG Guidelines, 2015. Collection method: not provided. Allele origin: germline. Inheritance: Autosomal recessive inheritance. Affected: yes.